The following is an entry in ClinVar:

ClinVar aggregate classification (germline): Uncertain significance (1 of 4 stars; one submission).

Submission:

Women's Health and Genetics/Laboratory Corporation of America, LabCorp
Classification: Uncertain significance. Last evaluated: 2025-12-03. Review status: criteria provided, single submitter. Criteria: LabCorp Variant Classification Summary - May 2015. Collection method: clinical testing. Allele origin: germline.
Comment: Variant summary: The variant involves the duplication of exons 1-15 in the ADGRG1 (aka. GPR56) gene. A presumed nomenclature of c.(?_-245)_(*1986_?)dup has been designated for the purposes of this classification. This duplication includes the entire coding sequence of the gene. As exact breakpoints are unknown, it may extend beyond the annotated region of the gene, to include other flanking genes. The duplication of the ADGRG1 gene (in isolation) was absent in 113420 control chromosomes in the gnomAD database (Structural Variants v4.1 dataset). However, larger duplications (which include several contiguous genes; sizes: ~450-900 kbp) are reported in a few carriers in the gnomAD CNVs v4.1.0 dataset. The available data on variant occurrences in the general population are insufficient to allow any conclusion about variant significance. To our knowledge, no occurrence of c.(?_-245)_(*1986_?)dup in individuals affected with ADGRG1-related conditions and no experimental evidence demonstrating its impact on protein function have been reported. No submitters have cited clinical-significance assessments for this variant to ClinVar. Based on the evidence outlined above, the variant was classified as uncertain significance.

NC_000016.9:g.(?_57653957)_(57699480_?)dup

Gene: ADGRG1 (adhesion G protein-coupled receptor G1; plus strand). Cytogenetic location: 16q21.
Variant type: Duplication.
Identifiers: ClinVar variation 4688622 (VCV004688622.1).